The following is an entry in ClinVar:

NM_000542.5(SFTPB):c.407T>A (p.Ile136Asn)

Gene: SFTPB (surfactant protein B; minus strand). Cytogenetic location: 2p11.2.
Variant type: single nucleotide variant.
Coding change: c.407T>A on transcript NM_000542.5 (MANE Select); coding-DNA position 407, T replaced by A.
Protein change: p.Ile136Asn; replaces isoleucine 136 with asparagine.
Molecular consequence: missense variant.
Genome position (GRCh38, 1-based): chr2:85,665,781, A>T on the plus strand (T>A on the coding strand, the complement: SFTPB is on the minus strand). VCF-style: chr2-85665781-A-T. GRCh37 (hg19) VCF-style: chr2-85892904-A-T.
Other names: c.407T>A, p.Ile136Asn (NM_001367281.2, NM_198843.4); short protein forms I136N.
Identifiers: ClinVar variation 1740618 (VCV001740618.2), dbSNP rs1210349465, ClinGen allele CA347490758.

ClinVar aggregate classification (germline): Uncertain significance (1 of 4 stars; one submission).

Conditions:
Hereditary pulmonary alveolar proteinosis. Also called: Pulmonary surfactant metabolism dysfunction. Identifiers: Orphanet 264675, MedGen C3711368, MONDO:0012580.

Allele frequency attached by ClinVar (database versions not stated): gnomAD exomes below 0.00001; gnomAD 0.00001; TOPMed 0.00002.
gnomAD v4.1: 3 of 1,614,034 alleles (0.00019%); highest among the groups gnomAD compares: Admixed American, 0.0033%; no homozygotes.

Submission:

Ambry Genetics
Classification: Uncertain significance for Hereditary pulmonary alveolar proteinosis. Last evaluated: 2015-02-26. Review status: criteria provided, single submitter. Criteria: Ambry Variant Classification Scheme 2023. Collection method: clinical testing. Allele origin: germline.
Comment: The p.I148N variant (also known as c.443T>A), located in coding exon 5 of the SFTPB gene, results from a T to A substitution at nucleotide position 443. The isoleucine at codon 148 is replaced by asparagine, an amino acid with dissimilar properties. This variant was not reported in population based cohorts in the following databases: Database of Single Nucleotide Polymorphisms (dbSNP), NHLBI Exome Sequencing Project (ESP), and 1000 Genomes Project. In the ESP, this variant was not observed in 6503 samples (13006 alleles) with coverage at this position. This amino acid position is moderately conserved in available vertebrate species. In addition, the in silico prediction for this alteration is inconclusive. Since supporting evidence is limited at this time, the clinical significance of this variant remains unclear.